The following is an entry in ClinVar:

ClinVar aggregate classification (germline): Uncertain significance (1 of 4 stars; one submission).

Submission:

GeneDx
Classification: Uncertain significance. Last evaluated: 2025-10-08. Review status: criteria provided, single submitter. Criteria: GeneDx Variant Classification Process June 2021. Collection method: clinical testing. Allele origin: germline.
Comment: Not observed at significant frequency in large population cohorts (gnomAD); In silico analysis supports that this missense variant has a deleterious effect on protein structure/function; Has not been previously published as pathogenic or benign to our knowledge

NM_003611.3(OFD1):c.249A>C (p.Gln83His)

Gene: OFD1 (OFD1 centriole and centriolar satellite protein; plus strand). Cytogenetic location: Xp22.2.
Variant type: single nucleotide variant.
Coding change: c.249A>C on transcript NM_003611.3 (MANE Select); coding-DNA position 249, A replaced by C.
Protein change: p.Gln83His; replaces glutamine 83 with histidine.
Molecular consequence: missense variant. On other transcripts: 5 prime UTR variant (1).
Genome position (GRCh38, 1-based): chrX:13,736,615, A>C. VCF-style: chrX-13736615-A-C. GRCh37 (hg19) VCF-style: chrX-13754734-A-C.
Other names: c.249A>C, p.Gln83His (NM_001330209.2); c.-297A>C (NM_001330210.2); short protein forms Q83H.
Identifiers: ClinVar variation 3363967 (VCV003363967.2).
Genomic context (GRCh38, chrX:13,736,615, plus strand): 5'-AGTAGAAGGGAGCTCCCTCTTAATAGGCGCCTCTAACTCTTTAGTGGCAGATCACTTACA[A>C]AGATGTGGCTATGAATATTCACTTTCTGTTTTCTTTCCAGAAAGTGGTTTGGCAAAAGAA-3'
Protein context (NP_003602.1, residues 73-93): ASNSLVADHL[Gln83His]RCGYEYSLSV